The following is an entry in ClinVar:

NM_002207.3(ITGA9):c.1520G>A (p.Gly507Glu)

Gene: ITGA9 (integrin subunit alpha 9; plus strand). Cytogenetic location: 3p22.2.
Variant type: single nucleotide variant.
Coding change: c.1520G>A on transcript NM_002207.3 (MANE Select); coding-DNA position 1520, G replaced by A.
Protein change: p.Gly507Glu; replaces glycine 507 with glutamic acid.
Molecular consequence: missense variant.
Genome position (GRCh38, 1-based): chr3:37,533,460, G>A. VCF-style: chr3-37533460-G-A. GRCh37 (hg19) VCF-style: chr3-37574951-G-A.
Other names: short protein forms G507E.
Identifiers: ClinVar variation 402989 (VCV000402989.7), dbSNP rs267561, ClinGen allele CA2310807.

ClinVar aggregate classification (germline): Benign. Review status: criteria provided, multiple submitters, no conflicts (2 of 4 stars). 3 submissions from 3 submitters: Benign (2). 1 of the submissions does not count toward it. Last evaluated 2016-03-28.

Conditions:
ITGA9-related disorder. Also called: ITGA9-related condition.

Allele frequency attached by ClinVar (database versions not stated): TOPMed 0.56245; ExAC 0.57278; gnomAD exomes 0.58288; ESP Exome Variant Server 0.54344; gnomAD 0.55197; 1000 Genomes Project 30x 0.55668; 1000 Genomes Project 0.55911.
gnomAD v4.1: 933,021 of 1,613,482 alleles (58%); highest among the groups gnomAD compares: East Asian, 80%; 274,594 homozygotes.

Submissions (3):

Laboratory for Molecular Medicine, Mass General Brigham Personalized Medicine
Classification: Benign. Last evaluated: 2016-03-28. Review status: criteria provided, single submitter. Criteria: LMM Criteria. Collection method: clinical testing. Allele origin: germline.
Comment: Variant identified in a genome or exome case(s) and assessed due to predicted null impact of the variant or pathogenic assertions in the literature or databases. Disclaimer: This variant has not undergone full assessment. The following are preliminary notes: 57% of total chromosomes in ExAC

Breakthrough Genomics
Classification: Benign. Review status: criteria provided, single submitter. Criteria: ACMG Guidelines, 2015. Collection method: not provided. Allele origin: germline. Inheritance: Unknown mechanism. Affected: yes.

PreventionGenetics, part of Exact Sciences
Classification: Benign for ITGA9-related condition. Last evaluated: 2019-08-02. Review status: no assertion criteria provided. Collection method: clinical testing. Allele origin: germline. Not counted in ClinVar's aggregate classification.
Comment: This variant is classified as benign based on ACMG/AMP sequence variant interpretation guidelines (Richards et al. 2015 PMID: 25741868, with internal and published modifications).